The following is an entry in ClinVar:

NM_001323289.2(CDKL5):c.593G>A (p.Gly198Asp)

Gene: CDKL5 (cyclin dependent kinase like 5; plus strand). Cytogenetic location: Xp22.13.
Variant type: single nucleotide variant.
Coding change: c.593G>A on transcript NM_001323289.2 (MANE Select); coding-DNA position 593, G replaced by A.
Protein change: p.Gly198Asp; replaces glycine 198 with aspartic acid.
Molecular consequence: missense variant.
Genome position (GRCh38, 1-based): chrX:18,587,992, G>A. VCF-style: chrX-18587992-G-A. GRCh37 (hg19) VCF-style: chrX-18606112-G-A.
Other names: NM_001323289.2(CDKL5):c.593G>A; p.Gly198Asp; c.593G>A, p.Gly198Asp (NM_001037343.2, NM_003159.3); short protein forms G198D.
Identifiers: ClinVar variation 1006298 (VCV001006298.10), dbSNP rs1925696959, ClinGen allele CA412353172.
Genomic context (GRCh38, chrX:18,587,992, plus strand): 5'-AATCTCTTCCTTTATTTTTCAGCGCTCCCTATGGAAAGTCCGTGGACATGTGGTCGGTGG[G>A]CTGTATTCTTGGGGAGCTTAGCGATGGACAGCCTTTATTTCCTGGAGAAAGTGAAATTGA-3'
Protein context (NP_001310218.1, residues 188-208): YGKSVDMWSV[Gly198Asp]CILGELSDGQ

ClinVar aggregate classification (germline): Pathogenic/Likely pathogenic. Review status: criteria provided, multiple submitters, no conflicts (2 of 4 stars). 2 submissions from 2 submitters: Pathogenic (1); Likely pathogenic (1). Last evaluated 2024-07-02.

Conditions:
CDKL5 disorder. Identifiers: MedGen CN296942, MONDO:0100039.
Angelman syndrome-like. Identifiers: MedGen CN128785.
Developmental and epileptic encephalopathy, 2 (DEE2). Also called: INFANTILE SPASM SYNDROME, X-LINKED 2; CDKL5 deficiency disorder. Identifiers: Orphanet 1934, Orphanet 3451, Orphanet 505652, MedGen C4750718, MONDO:0010396, OMIM 300672.

Submissions (2):

Centre for Population Genomics, CPG
Classification: Likely pathogenic for CDKL5 disorder. Last evaluated: 2024-07-02. Review status: criteria provided, single submitter. Criteria: McKnight et al. (Hum Mutat. 2022). Collection method: curation. Allele origin: germline. Inheritance: X-linked inheritance.
Comment: This variant has been collected from RettBASE and curated to current modified ACMG/AMP criteria. Based on the classification scheme defined by the ClinGen Rett/Angelman-like Expert Panel for Rett/AS-like Disorders Specifications to the ACMG/AMP Variant Interpretation Guidelines VCEP 3.0, this variant is classified as likely pathogenic. At least the following criteria are met: This variant is absent from gnomAD (PM2_Supporting). This variant has been identified as a de novo occurrence in an individual with CDKL5 disorder without confirmation of paternity and maternity (PM6). PMID: 27391121 Has been observed in at least 3 individuals with phenotypes consistent with CDKL5 disorder (PS4_Supporting). PMID: 27391121, PMID: 29264392 Variation ID: 1006298 Computational prediction analysis tools suggests a deleterious impact (REVEL score>= 0.75) (PP3).

Labcorp Genetics (formerly Invitae), Labcorp
Classification: Pathogenic for Developmental and epileptic encephalopathy, 2; Angelman syndrome-like. Last evaluated: 2022-07-26. Review status: criteria provided, single submitter. Criteria: Invitae Variant Classification Sherloc (09022015). Collection method: clinical testing. Allele origin: germline.
Comment: For these reasons, this variant has been classified as Pathogenic. Advanced modeling of protein sequence and biophysical properties (such as structural, functional, and spatial information, amino acid conservation, physicochemical variation, residue mobility, and thermodynamic stability) performed at Invitae indicates that this missense variant is expected to disrupt CDKL5 protein function. ClinVar contains an entry for this variant (Variation ID: 1006298). This missense change has been observed in individual(s) with CDKL5-related conditions (PMID: 27391121; Invitae). In at least one individual the variant was observed to be de novo. This variant is not present in population databases (gnomAD no frequency). This sequence change replaces glycine, which is neutral and non-polar, with aspartic acid, which is acidic and polar, at codon 198 of the CDKL5 protein (p.Gly198Asp).

Literature cited by the submitters: PubMed 27391121 (cited by Labcorp Genetics (formerly Invitae), Labcorp).